The following is an entry in ClinVar:

NM_003114.5(SPAG1):c.2707G>A (p.Asp903Asn)

Gene: SPAG1 (sperm associated antigen 1; plus strand). Cytogenetic location: 8q22.2.
Variant type: single nucleotide variant.
Coding change: c.2707G>A on transcript NM_003114.5 (MANE Select); coding-DNA position 2707, G replaced by A.
Protein change: p.Asp903Asn; replaces aspartic acid 903 with asparagine.
Molecular consequence: missense variant.
Genome position (GRCh38, 1-based): chr8:100,240,948, G>A. VCF-style: chr8-100240948-G-A. GRCh37 (hg19) VCF-style: chr8-101253176-G-A.
Other names: c.2707G>A, p.Asp903Asn (NM_001374321.1, NM_172218.3); short protein forms D903N.
Identifiers: ClinVar variation 403466 (VCV000403466.20), dbSNP rs148756457, ClinGen allele CA4827848.
Genomic context (GRCh38, chr8:100,240,948, plus strand): 5'-TAGATGATGTTGACACTAATTAGCAAGGGCCAAAAGGAGCTAATTGAACAGCTGTTTGAG[G>A]ACCTTTCGGACACACCAAACAACCATTTTACTTTAGAAGATATACAGGCCCTAAAAAGGC-3'
Protein context (NP_003105.2, residues 893-913): QKELIEQLFE[Asp903Asn]LSDTPNNHFT

ClinVar aggregate classification (germline): Uncertain significance. Review status: criteria provided, multiple submitters, no conflicts (2 of 4 stars). 8 submissions from 8 submitters: Uncertain significance (7). 1 of the submissions does not count toward it. Last evaluated 2025-08-10.

Conditions:
SPAG1-related disorder. Also called: SPAG1-related condition.
Primary ciliary dyskinesia 28. Also called: CILIARY DYSKINESIA, PRIMARY, 28, WITH OR WITHOUT SITUS INVERSUS. Identifiers: Orphanet 244, MedGen C3809706, MONDO:0014216, OMIM 615505.
Primary ciliary dyskinesia. Also called: Ciliary dyskinesia. Identifiers: Orphanet 244, MedGen C0008780, MONDO:0016575, HP:0012265.

Allele frequency attached by ClinVar (database versions not stated): ExAC 0.00016; gnomAD exomes 0.00016; gnomAD 0.00018 and 0.00021; TOPMed 0.00021; ESP Exome Variant Server 0.00023.
gnomAD v4.1: 318 of 1,612,994 alleles (0.02%); highest among the groups gnomAD compares: Middle Eastern, 0.97%; 2 homozygotes.

Submissions (8):

Ambry Genetics
Classification: Uncertain significance for Primary ciliary dyskinesia. Last evaluated: 2025-08-10. Review status: criteria provided, single submitter. Criteria: Ambry Variant Classification Scheme 2023. Collection method: clinical testing. Allele origin: germline.

Blueprint Genetics
Classification: Uncertain significance. Last evaluated: 2024-10-16. Review status: criteria provided, single submitter. Criteria: ACMG Guidelines, 2015. Collection method: clinical testing. Allele origin: germline.

Fulgent Genetics
Classification: Uncertain significance for Primary ciliary dyskinesia 28. Last evaluated: 2024-06-04. Review status: criteria provided, single submitter. Criteria: ACMG Guidelines, 2015. Collection method: clinical testing. Allele origin: germline.

Labcorp Genetics (formerly Invitae), Labcorp
Classification: Uncertain significance for Primary ciliary dyskinesia 28. Last evaluated: 2023-12-11. Review status: criteria provided, single submitter. Criteria: Invitae Variant Classification Sherloc (09022015). Collection method: clinical testing. Allele origin: germline.
Comment: This sequence change replaces aspartic acid, which is acidic and polar, with asparagine, which is neutral and polar, at codon 903 of the SPAG1 protein (p.Asp903Asn). This variant is present in population databases (rs148756457, gnomAD 0.03%). This missense change has been observed in individual(s) with clinical features of SPAG1-related conditions (Invitae). ClinVar contains an entry for this variant (Variation ID: 403466). Advanced modeling of protein sequence and biophysical properties (such as structural, functional, and spatial information, amino acid conservation, physicochemical variation, residue mobility, and thermodynamic stability) performed at Invitae indicates that this missense variant is not expected to disrupt SPAG1 protein function with a negative predictive value of 80%. In summary, the available evidence is currently insufficient to determine the role of this variant in disease. Therefore, it has been classified as a Variant of Uncertain Significance.

Dubai Health Genomic Medicine Center, Dubai Health
Classification: Uncertain significance for Primary ciliary dyskinesia 28. Last evaluated: 2020-11-18. Review status: criteria provided, single submitter. Criteria: ACMG Guidelines, 2015. Collection method: clinical testing. Allele origin: germline. Affected: yes.

Baylor Genetics
Classification: Uncertain significance for Primary ciliary dyskinesia 28. Last evaluated: 2019-09-06. Review status: criteria provided, single submitter. Criteria: ACMG Guidelines, 2015. Collection method: clinical testing. Allele origin: unknown. Affected: yes.
Comment: This variant was determined to be of uncertain significance according to ACMG Guidelines, 2015 [PMID:25741868].

Laboratory for Molecular Medicine, Mass General Brigham Personalized Medicine
Classification: Uncertain significance. Last evaluated: 2016-03-28. Review status: criteria provided, single submitter. Criteria: LMM Criteria. Collection method: clinical testing. Allele origin: germline.
Comment: Variant identified in a genome or exome case(s) and assessed due to predicted null impact of the variant or pathogenic assertions in the literature or databases. Disclaimer: This variant has not undergone full assessment.

PreventionGenetics, part of Exact Sciences
Classification: Uncertain significance for SPAG1-related condition. Last evaluated: 2024-09-10. Review status: no assertion criteria provided. Collection method: clinical testing. Allele origin: germline. Not counted in ClinVar's aggregate classification.
Comment: The SPAG1 c.2707G>A variant is predicted to result in the amino acid substitution p.Asp903Asn. To our knowledge, this variant has not been reported in the literature. This variant is reported in 0.030% of alleles in individuals of European (Non-Finnish) descent in gnomAD. At this time, the clinical significance of this variant is uncertain due to the absence of conclusive functional and genetic evidence.